The following is an entry in ClinVar:

ClinVar aggregate classification (germline): Uncertain significance (1 of 4 stars; one submission).

Conditions:
Familial adenomatous polyposis 1 (FAP1). Also called: POLYPOSIS, ADENOMATOUS INTESTINAL; FAMILIAL ADENOMATOUS POLYPOSIS 1, ATTENUATED. Identifiers: MedGen C2713442, MONDO:0021056, OMIM 175100. Disease mechanism: loss of function.

Submission:

Labcorp Genetics (formerly Invitae), Labcorp
Classification: Uncertain significance for Familial adenomatous polyposis 1. Last evaluated: 2020-11-14. Review status: criteria provided, single submitter. Criteria: Invitae Variant Classification Sherloc (09022015). Collection method: clinical testing. Allele origin: germline.
Comment: This sequence change replaces isoleucine with methionine at codon 404 of the APC protein (p.Ile404Met). The isoleucine residue is highly conserved and there is a small physicochemical difference between isoleucine and methionine. This variant is not present in population databases (ExAC no frequency). This variant has not been reported in the literature in individuals with APC-related conditions. ClinVar contains an entry for this variant (Variation ID: 834288). Algorithms developed to predict the effect of missense changes on protein structure and function are either unavailable or do not agree on the potential impact of this missense change (SIFT: "Deleterious"; PolyPhen-2: "Benign"; Align-GVGD: "Class C0"). In summary, the available evidence is currently insufficient to determine the role of this variant in disease. Therefore, it has been classified as a Variant of Uncertain Significance.

NM_000038.6(APC):c.1212C>G (p.Ile404Met)

Gene: APC (APC regulator of Wnt signaling pathway; plus strand). Cytogenetic location: 5q22.2.
Variant type: single nucleotide variant.
Coding change: c.1212C>G on transcript NM_000038.6 (MANE Select); coding-DNA position 1212, C replaced by G.
Protein change: p.Ile404Met; replaces isoleucine 404 with methionine.
Molecular consequence: missense variant. On other transcripts: intron variant (4).
Genome position (GRCh38, 1-based): chr5:112,819,244, C>G. VCF-style: chr5-112819244-C-G. GRCh37 (hg19) VCF-style: chr5-112154941-C-G.
Other names: c.1212C>G, p.Ile404Met (NM_001127510.3, NM_001354895.2, NM_001354896.2); c.1158C>G, p.Ile386Met (NM_001127511.3); c.1242C>G, p.Ile414Met (NM_001354897.2); c.1137C>G, p.Ile379Met (NM_001354898.2); c.1128C>G, p.Ile376Met (NM_001354899.2); c.1035C>G, p.Ile345Met (NM_001354900.2, NM_001354901.2); c.363C>G, p.Ile121Met (NM_001354906.2); c.964-25C>G (NM_001354902.2); and 3 more; short protein forms I121M, I376M, I386M, I345M, I379M, I404M, I414M.
Identifiers: ClinVar variation 834288 (VCV000834288.11), dbSNP rs1762856159, ClinGen allele CA16023958.